The following is an entry in ClinVar:

NM_018089.3(ANKZF1):c.937C>A (p.Pro313Thr)

Gene: ANKZF1 (ankyrin repeat and zinc finger peptidyl tRNA hydrolase 1; plus strand). Cytogenetic location: 2q35.
Variant type: single nucleotide variant.
Coding change: c.937C>A on transcript NM_018089.3 (MANE Select); coding-DNA position 937, C replaced by A.
Protein change: p.Pro313Thr; replaces proline 313 with threonine.
Molecular consequence: missense variant.
Genome position (GRCh38, 1-based): chr2:219,233,832, C>A. VCF-style: chr2-219233832-C-A. GRCh37 (hg19) VCF-style: chr2-220098554-C-A.
Other names: c.937C>A, p.Pro313Thr (NM_001042410.2); c.307C>A, p.Pro103Thr (NM_001282792.2); short protein forms P103T, P313T.
Identifiers: ClinVar variation 4780937 (VCV004780937.1).
Genomic context (GRCh38, chr2:219,233,832, plus strand): 5'-ACAATACTGTTGCGTGCTCCCCGCTCTGGCCGGTCTTTGTTCTTTGGAGGCAAGGGAGCA[C>A]CCCTGCAAAGGGGGGATCCCCGACTTTGGGATATCCCCCTCGCCACCCGCAGACCCACCT-3'
Protein context (NP_060559.2, residues 303-323): RSLFFGGKGA[Pro313Thr]LQRGDPRLWD

ClinVar aggregate classification (germline): Uncertain significance (1 of 4 stars; one submission).

gnomAD v4.1: 1 of 1,613,998 alleles (0.000062%); highest among the groups gnomAD compares: Non-Finnish European, 0.000085%; no homozygotes.

Submission:

Labcorp Genetics (formerly Invitae), Labcorp
Classification: Uncertain significance. Last evaluated: 2025-10-03. Review status: criteria provided, single submitter. Criteria: Invitae Variant Classification Sherloc (09022015). Collection method: clinical testing. Allele origin: germline.
Comment: This sequence change replaces proline, which is neutral and non-polar, with threonine, which is neutral and polar, at codon 313 of the ANKZF1 protein (p.Pro313Thr). This variant is not present in population databases (gnomAD no frequency). This variant has not been reported in the literature in individuals affected with ANKZF1-related conditions. An algorithm developed to predict the effect of missense changes on protein structure and function (PolyPhen-2) suggests that this variant is likely to be disruptive. In summary, the available evidence is currently insufficient to determine the role of this variant in disease. Therefore, it has been classified as a Variant of Uncertain Significance.